The following is an entry in ClinVar:

ClinVar aggregate classification (germline): Uncertain significance (1 of 4 stars; one submission).

Submission:

Labcorp Genetics (formerly Invitae), Labcorp
Classification: Uncertain significance. Last evaluated: 2025-03-04. Review status: criteria provided, single submitter. Criteria: Invitae Variant Classification Sherloc (09022015). Collection method: clinical testing. Allele origin: germline.
Comment: This sequence change replaces threonine, which is neutral and polar, with proline, which is neutral and non-polar, at codon 268 of the COL11A2 protein (p.Thr268Pro). This variant is not present in population databases (gnomAD no frequency). This variant has not been reported in the literature in individuals affected with COL11A2-related conditions. Invitae Evidence Modeling of protein sequence and biophysical properties (such as structural, functional, and spatial information, amino acid conservation, physicochemical variation, residue mobility, and thermodynamic stability) indicates that this missense variant is not expected to disrupt COL11A2 protein function with a negative predictive value of 95%. In summary, the available evidence is currently insufficient to determine the role of this variant in disease. Therefore, it has been classified as a Variant of Uncertain Significance.

NM_080680.3(COL11A2):c.802A>C (p.Thr268Pro)

Gene: COL11A2 (collagen type XI alpha 2 chain; minus strand). Cytogenetic location: 6p21.32.
Variant type: single nucleotide variant.
Coding change: c.802A>C on transcript NM_080680.3 (MANE Select); coding-DNA position 802, A replaced by C.
Protein change: p.Thr268Pro; replaces threonine 268 with proline.
Molecular consequence: missense variant. On other transcripts: 5 prime UTR variant (3), intron variant (2).
Genome position (GRCh38, 1-based): chr6:33,185,775, T>G on the plus strand (A>C on the coding strand, the complement: COL11A2 is on the minus strand). VCF-style: chr6-33185775-T-G. GRCh37 (hg19) VCF-style: chr6-33153552-T-G.
Other names: c.802A>C, p.Thr268Pro (NM_001424108.1); c.-45A>C (NM_001424109.1, NM_001424110.1, NM_001424111.1); c.798+852A>C (NM_080679.3); c.799-721A>C (NM_080681.3); short protein forms T268P.
Identifiers: ClinVar variation 3689732 (VCV003689732.2).
Genomic context (GRCh38, chr6:33,185,775, plus strand): 5'-TTGTCCCCGTAGTCATCACATCATAATAGGGGGGCTCGTAGTCATAGTAGAGAGACTCAG[T>G]GGGCTGGGATTGGGGGGTGGGCATAGACAGGAAGGGGATGGGGTAATTGGAAGGTGTGGG-3'
Protein context (NP_542411.2, residues 258-278): PQNQEPQSQP[Thr268Pro]ESLYYDYEPP